The following is an entry in ClinVar:

ClinVar aggregate classification (germline): Uncertain significance (1 of 4 stars; one submission).

Submission:

GeneDx
Classification: Uncertain significance. Last evaluated: 2024-04-26. Review status: criteria provided, single submitter. Criteria: GeneDx Variant Classification Process June 2021. Collection method: clinical testing. Allele origin: germline. Affected: yes.
Comment: Not observed at significant frequency in large population cohorts (gnomAD); In-frame deletion of 1 amino acids in a non-repeat region; In silico analysis supports a deleterious effect on protein structure/function; Has not been previously published as pathogenic or benign to our knowledge

NM_006618.5(KDM5B):c.4581AGA[1] (p.Glu1528del)

Gene: KDM5B (lysine demethylase 5B; minus strand). Cytogenetic location: 1q32.1.
Variant type: Microsatellite.
Coding change: c.4581AGA[1] on transcript NM_006618.5 (MANE Select); one copy of the 3-base unit AGA starting at c.4581; the reference has two copies in a row; one copy, 3 bases deleted.
Protein change: p.Glu1528del; deletes glutamic acid 1528.
Molecular consequence: inframe deletion.
Genome position (GRCh38, 1-based): chr1:202,729,085-202,729,087, TCT deleted on the plus strand (AGA on the coding strand, the reverse complement: KDM5B is on the minus strand); deleting any 3 consecutive bases within chr1:202,729,085-202,729,091 gives the same sequence; the position shown is the placement nearest the transcript's 3' end. VCF-style (leftmost placement, unchanged base first): chr1-202729084-GTCT-G. GRCh37 (hg19) VCF-style: chr1-202698212-GTCT-G.
Other names: c.4689AGA[1], p.Glu1564del (NM_001314042.2); c.4446AGA[1], p.Glu1483del (NM_001347591.2); c.4566AGA[1], p.Glu1523del (NM_001399817.1); short protein forms E1483del, E1528del, E1564del, E1523del.
Identifiers: ClinVar variation 1313876 (VCV001313876.4), dbSNP rs2102205725, ClinGen allele CA2574112398.